The following is an entry in ClinVar:

NM_001458.5(FLNC):c.207G>C (p.Arg69=)

Gene: FLNC (filamin C; plus strand). Cytogenetic location: 7q32.1.
Variant type: single nucleotide variant.
Coding change: c.207G>C on transcript NM_001458.5 (MANE Select); coding-DNA position 207, G replaced by C.
Protein change: p.Arg69=; no amino-acid change (arginine 69 retained).
Molecular consequence: synonymous variant.
Genome position (GRCh38, 1-based): chr7:128,830,844, G>C. VCF-style: chr7-128830844-G-C. GRCh37 (hg19) VCF-style: chr7-128470898-G-C.
Other names: c.207G>C, p.Arg69= (NM_001127487.2).
Identifiers: ClinVar variation 1785543 (VCV001785543.3), dbSNP rs2536605404, ClinGen allele CA457846061.

ClinVar aggregate classification (germline): Likely benign. Review status: criteria provided, multiple submitters, no conflicts (2 of 4 stars). 2 submissions from 2 submitters: Likely benign (2). Last evaluated 2025-03-31.

Conditions:
Cardiovascular phenotype. Identifiers: MedGen CN230736.
FLNC-related disorder. Also called: FLNC-related condition; FLNC-related disorders.

Submissions (2):

PreventionGenetics, part of Exact Sciences
Classification: Likely benign for FLNC-related condition. Last evaluated: 2025-03-31. Review status: criteria provided, single submitter. Criteria: ACMG Guidelines, 2015. Collection method: clinical testing. Allele origin: germline.
Comment: This variant is classified as likely benign based on ACMG/AMP sequence variant interpretation guidelines (Richards et al. 2015 PMID: 25741868, with internal and published modifications).

Ambry Genetics
Classification: Likely benign for Cardiovascular phenotype. Last evaluated: 2020-02-02. Review status: criteria provided, single submitter. Criteria: Ambry Variant Classification Scheme 2023. Collection method: clinical testing. Allele origin: germline.